The following is an entry in ClinVar:

ClinVar aggregate classification (germline): Likely benign (0 of 4 stars; one submission).

Conditions:
ISL1-related disorder. Also called: ISL1-related condition.

gnomAD v4.1: 2 of 1,614,192 alleles (0.00012%); highest among the groups gnomAD compares: African/African-American, 0.0013%; no homozygotes.

Submission:

PreventionGenetics, part of Exact Sciences
Classification: Likely benign for ISL1-related condition. Last evaluated: 2024-08-08. Review status: no assertion criteria provided. Collection method: clinical testing. Allele origin: germline.
Comment: This variant is classified as likely benign based on ACMG/AMP sequence variant interpretation guidelines (Richards et al. 2015 PMID: 25741868, with internal and published modifications).

NM_002202.3(ISL1):c.267C>T (p.Asn89=)

Gene: ISL1 (ISL LIM homeobox 1; plus strand). Cytogenetic location: 5q11.1.
Variant type: single nucleotide variant.
Coding change: c.267C>T on transcript NM_002202.3 (MANE Select); coding-DNA position 267, C replaced by T.
Protein change: p.Asn89=; no amino-acid change (asparagine 89 retained).
Molecular consequence: synonymous variant.
Genome position (GRCh38, 1-based): chr5:51,387,538, C>T. VCF-style: chr5-51387538-C-T. GRCh37 (hg19) VCF-style: chr5-50683372-C-T.
Identifiers: ClinVar variation 3345954 (VCV003345954.1).